The following is an entry in ClinVar:

ClinVar aggregate classification (germline): Uncertain significance. Review status: criteria provided, multiple submitters, no conflicts (2 of 4 stars). 2 submissions from 2 submitters: Uncertain significance (2). Last evaluated 2024-03-27.

Conditions:
Van Maldergem syndrome 2 (VMLDS2). Identifiers: Orphanet 314679, MedGen C3809875, MONDO:0014242, OMIM 615546.
Hennekam lymphangiectasia-lymphedema syndrome 2 (HKLLS2). Identifiers: Orphanet 2136, MedGen C4014939, MONDO:0014454, OMIM 616006.

Allele frequency attached by ClinVar (database versions not stated): gnomAD exomes below 0.00001; TOPMed 0.00002; ESP Exome Variant Server 0.00008.
gnomAD v4.1: 1 of 1,613,912 alleles (0.000062%); highest among the groups gnomAD compares: Non-Finnish European, 0.000085%; no homozygotes.

Submissions (2):

Fulgent Genetics
Classification: Uncertain significance for Van Maldergem syndrome 2; Hennekam lymphangiectasia-lymphedema syndrome 2. Last evaluated: 2024-03-27. Review status: criteria provided, single submitter. Criteria: ACMG Guidelines, 2015. Collection method: clinical testing. Allele origin: germline.

GeneDx
Classification: Uncertain significance. Last evaluated: 2017-06-29. Review status: criteria provided, single submitter. Criteria: GeneDx Variant Classification (06012015). Collection method: clinical testing. Allele origin: germline. Affected: yes.
Comment: A variant of uncertain significance has been identified in the FAT4 gene. The c.3065 A>G variant has not been published as a pathogenic variant, nor has it been reported as a benign variant to our knowledge. The c.3065 A>G variant is not observed in large population cohorts (Lek et al., 2016; 1000 Genomes Consortium et al., 2015; Exome Variant Server). Several in-silico splice prediction models predict that c.3065 A>G creates a cryptic donor site in exon 1 which may supplant the natural donor site and lead to abnormal gene splicing. However, in the absence of RNA/functional studies, the actual effect of this sequence change in this individual is unknown. If c.3065 A>G does not alter splicing, it will result in the D1022G missense change. The D1022G variant is a non-conservative amino acid substitution, which is likely to impact secondary protein structure as these residues differ in polarity, charge, size and/or other properties. This substitution occurs at a position that is conserved across species, and in silico analysis predicts this variant is probably damaging to the protein structure/function. However, missense variants in nearby residues have not been reported in the Human Gene Mutation Database in association with FAT4-related disorders (Stenson et al., 2014). Therefore, based on the currently available information, it is unclear whether this variant is a pathogenic variant or a rare benign variant.

NM_001291303.3(FAT4):c.3065A>G (p.Asp1022Gly)

Gene: FAT4 (FAT atypical cadherin 4; plus strand). Cytogenetic location: 4q28.1.
Variant type: single nucleotide variant.
Coding change: c.3065A>G on transcript NM_001291303.3 (MANE Select); coding-DNA position 3065, A replaced by G.
Protein change: p.Asp1022Gly; replaces aspartic acid 1022 with glycine.
Molecular consequence: missense variant.
Genome position (GRCh38, 1-based): chr4:125,319,476, A>G. VCF-style: chr4-125319476-A-G. GRCh37 (hg19) VCF-style: chr4-126240631-A-G.
Other names: c.3065A>G, p.Asp1022Gly (NM_001291285.3, NM_024582.6); c.3065A>G (NM_024582.5); short protein forms D1022G.
Identifiers: ClinVar variation 450113 (VCV000450113.3), dbSNP rs372060616, ClinGen allele CA104865853.